The following is an entry in ClinVar:

NM_000384.3(APOB):c.1076G>C (p.Ser359Thr)

Gene: APOB (apolipoprotein B; minus strand). Cytogenetic location: 2p24.1.
Variant type: single nucleotide variant.
Coding change: c.1076G>C on transcript NM_000384.3 (MANE Select); coding-DNA position 1076, G replaced by C.
Protein change: p.Ser359Thr; replaces serine 359 with threonine.
Molecular consequence: missense variant.
Genome position (GRCh38, 1-based): chr2:21,033,347, C>G on the plus strand (G>C on the coding strand, the complement: APOB is on the minus strand). VCF-style: chr2-21033347-C-G. GRCh37 (hg19) VCF-style: chr2-21256219-C-G.
Other names: short protein forms S359T.
Identifiers: ClinVar variation 630646 (VCV000630646.13), dbSNP rs1156947034, ClinGen allele CA345958619.

ClinVar aggregate classification (germline): Uncertain significance. Review status: criteria provided, multiple submitters, no conflicts (2 of 4 stars). 3 submissions from 3 submitters: Uncertain significance (3). Last evaluated 2025-08-03.

Conditions:
Cardiovascular phenotype. Identifiers: MedGen CN230736.

Allele frequency attached by ClinVar (database versions not stated): gnomAD exomes below 0.00001 and 0.00002; gnomAD 0.00001; TOPMed 0.00001.
gnomAD v4.1: 27 of 1,614,098 alleles (0.0017%); highest among the groups gnomAD compares: Non-Finnish European, 0.0022%; no homozygotes.

Submissions (3):

Ambry Genetics
Classification: Uncertain significance for Cardiovascular phenotype. Last evaluated: 2025-08-03. Review status: criteria provided, single submitter. Criteria: Ambry Variant Classification Scheme 2023. Collection method: clinical testing. Allele origin: germline.
Comment: The p.S359T variant (also known as c.1076G>C), located in coding exon 9 of the APOB gene, results from a G to C substitution at nucleotide position 1076. The serine at codon 359 is replaced by threonine, an amino acid with similar properties. This amino acid position is conserved. In addition, this alteration is predicted to be tolerated by in silico analysis. Since supporting evidence is limited at this time, the clinical significance of this alteration remains unclear.

GeneDx
Classification: Uncertain significance. Last evaluated: 2023-12-21. Review status: criteria provided, single submitter. Criteria: GeneDx Variant Classification Process June 2021. Collection method: clinical testing. Allele origin: germline. Affected: yes.
Comment: Not observed at significant frequency in large population cohorts (gnomAD); In silico analysis supports that this missense variant does not alter protein structure/function; Has not been previously published as pathogenic or benign to our knowledge

Mayo Clinic Laboratories, Mayo Clinic
Classification: Uncertain significance. Last evaluated: 2020-08-19. Review status: criteria provided, single submitter. Criteria: ACMG Guidelines, 2015. Collection method: clinical testing. Allele origin: germline. Observed: 1 variant allele.